The following is an entry in ClinVar:

NM_001134407.3(GRIN2A):c.1811C>G (p.Ala604Gly)

Gene: GRIN2A (glutamate ionotropic receptor NMDA type subunit 2A; minus strand). Cytogenetic location: 16p13.2.
Variant type: single nucleotide variant.
Coding change: c.1811C>G on transcript NM_001134407.3 (MANE Select); coding-DNA position 1811, C replaced by G.
Protein change: p.Ala604Gly; replaces alanine 604 with glycine.
Molecular consequence: missense variant.
Genome position (GRCh38, 1-based): chr16:9,829,619, G>C on the plus strand (C>G on the coding strand, the complement: GRIN2A is on the minus strand). VCF-style: chr16-9829619-G-C. GRCh37 (hg19) VCF-style: chr16-9923476-G-C.
Other names: c.1811C>G, p.Ala604Gly (NM_000833.5, NM_001134408.2); short protein forms A604G.
Identifiers: ClinVar variation 3522690 (VCV003522690.3).

ClinVar aggregate classification (germline): Uncertain significance. Review status: criteria provided, multiple submitters, no conflicts (2 of 4 stars). 2 submissions from 2 submitters: Uncertain significance (2). Last evaluated 2025-10-20.

Conditions:
Inborn genetic diseases. Identifiers: MedGen C0950123, MeSH D030342.
GRIN2A-related complex neurodevelopmental disorder. Also called: GRIN2A-related condition; GRIN2A-related disorder. Identifiers: MedGen CN379781, MONDO:1060139.

Submissions (2):

3billion
Classification: Uncertain significance for GRIN2A-related disorder. Last evaluated: 2025-10-20. Review status: criteria provided, single submitter. Criteria: ACMG Guidelines, 2015. Collection method: clinical testing. Allele origin: germline. Affected: yes.
Comment: The variant is not observed in the gnomAD v4.1.0 dataset. Predicted Consequence/Location: Missense variant In silico tool predictions suggest damaging effect of the variant on gene or gene product [3Cnet: 0.99 (> 0.75, sensitivity 0.96 and precision 0.92)]. The variant has been reported as of uncertain significance (ClinVar ID: VCV003522690). Therefore, this variant is classified as VUS according to the recommendation of ACMG/AMP guideline.

Ambry Genetics
Classification: Uncertain significance for Inborn genetic diseases. Last evaluated: 2024-11-09. Review status: criteria provided, single submitter. Criteria: Ambry Variant Classification Scheme 2023. Collection method: clinical testing. Allele origin: germline.